The following is an entry in ClinVar:

NM_000260.4(MYO7A):c.4351G>T (p.Ala1451Ser)

Gene: MYO7A (myosin VIIA; plus strand). Cytogenetic location: 11q13.5.
Variant type: single nucleotide variant.
Coding change: c.4351G>T on transcript NM_000260.4 (MANE Select); coding-DNA position 4351, G replaced by T.
Protein change: p.Ala1451Ser; replaces alanine 1451 with serine.
Molecular consequence: missense variant.
Genome position (GRCh38, 1-based): chr11:77,197,508, G>T. VCF-style: chr11-77197508-G-T. GRCh37 (hg19) VCF-style: chr11-76908553-G-T.
Other names: c.4351G>T, p.Ala1451Ser (NM_001127180.2); c.4318G>T, p.Ala1440Ser (NM_001369365.1); short protein forms A1451S, A1440S.
Identifiers: ClinVar variation 959378 (VCV000959378.5), dbSNP rs754360346, ClinGen allele CA6198427.

ClinVar aggregate classification (germline): Uncertain significance. Review status: criteria provided, multiple submitters, no conflicts (2 of 4 stars). 3 submissions from 3 submitters: Uncertain significance (2). 1 of the submissions does not count toward it. Last evaluated 2025-08-20.

Conditions:
Usher syndrome type 1B (USH1B). Also called: Usher syndrome type IB. Identifiers: MedGen C1848638, MONDO:0700087.
Usher syndrome type 1 (USH1). Also called: RETINITIS PIGMENTOSA AND CONGENITAL DEAFNESS. Identifiers: Orphanet 231169, Orphanet 886, MedGen C1568247, MONDO:0010168, OMIM 276900.

Allele frequency attached by ClinVar (database versions not stated): ExAC 0.00002.
gnomAD v4.1: 3 of 1,605,816 alleles (0.00019%); highest among the groups gnomAD compares: Non-Finnish European, 0.00026%; no homozygotes.

Submissions (3):

Myriad Genetics, Inc.
Classification: Uncertain significance for Usher syndrome type 1. Last evaluated: 2025-08-20. Review status: criteria provided, single submitter. Criteria: Myriad Autosomal Dominant, Autosomal Recessive and X-Linked Classification Criteria (2023). Collection method: clinical testing. Allele origin: unknown.
Comment: NM_000260.3(MYO7A):c.4351G>T(A1451S) is a missense variant classified as a variant of uncertain significance in the context of MYO7A-related disorders. A1451S has been observed in a case with relevant disease (PMID: 39161163). Relevant functional assessments of this variant are not available in the literature. A1451S has been observed in referenced population frequency databases. In summary, there is insufficient evidence to classify NM_000260.3(MYO7A):c.4351G>T(A1451S) as pathogenic or benign. Please note: this variant was assessed in the context of healthy population screening.

Labcorp Genetics (formerly Invitae), Labcorp
Classification: Uncertain significance. Last evaluated: 2022-08-09. Review status: criteria provided, single submitter. Criteria: Invitae Variant Classification Sherloc (09022015). Collection method: clinical testing. Allele origin: germline.
Comment: This sequence change replaces alanine, which is neutral and non-polar, with serine, which is neutral and polar, at codon 1451 of the MYO7A protein (p.Ala1451Ser). The frequency data for this variant in the population databases is considered unreliable, as metrics indicate poor data quality at this position in the gnomAD database. This variant has not been reported in the literature in individuals affected with MYO7A-related conditions. ClinVar contains an entry for this variant (Variation ID: 959378). Advanced modeling of protein sequence and biophysical properties (such as structural, functional, and spatial information, amino acid conservation, physicochemical variation, residue mobility, and thermodynamic stability) performed at Invitae indicates that this missense variant is not expected to disrupt MYO7A protein function. In summary, the available evidence is currently insufficient to determine the role of this variant in disease. Therefore, it has been classified as a Variant of Uncertain Significance.

Natera, Inc.
Classification: Uncertain significance for Usher syndrome type 1B. Last evaluated: 2019-11-11. Review status: no assertion criteria provided. Collection method: clinical testing. Allele origin: germline. Not counted in ClinVar's aggregate classification.

Literature cited by the submitters: PubMed 39161163 (cited by Myriad Genetics, Inc.).